The following is an entry in ClinVar:

ClinVar aggregate classification (germline): Uncertain significance. Review status: criteria provided, multiple submitters, no conflicts (2 of 4 stars). 2 submissions from 2 submitters: Uncertain significance (2). Last evaluated 2026-07-07.

Conditions:
Inborn genetic diseases. Identifiers: MedGen C0950123, MeSH D030342.
Hypokalemic periodic paralysis, type 1. Also called: HypoPP; Hypokalemic Periodic Paralysis Type 1 (AD). Identifiers: Orphanet 681, MedGen C3714580, MONDO:0042979, OMIM 170400.
Malignant hyperthermia, susceptibility to, 5 (MHS5). Also called: CACNA1S-Related Malignant Hyperthermia Susceptibility. Identifiers: Orphanet 423, MedGen C1866077, MONDO:0011163, OMIM 601887.
Thyrotoxic periodic paralysis, susceptibility to, 1 (TTPP1). Identifiers: Orphanet 79102, MedGen C2749982, MONDO:0008570, OMIM 188580.
Congenital myopathy 18. Also called: Myopathy, congenital, due to dihydropyridine receptor defect; DIHYDROPYRIDINE RECEPTOR CONGENITAL MYOPATHY; DHPR CONGENITAL MYOPATHY. Identifiers: MedGen C5830283, MONDO:0859514, OMIM 620246.

gnomAD v4.1: 4 of 1,612,780 alleles (0.00025%); highest among the groups gnomAD compares: Non-Finnish European, 0.00017%; no homozygotes.

Submissions (2):

Ambry Genetics
Classification: Uncertain significance for Inborn genetic diseases. Last evaluated: 2026-07-07. Review status: criteria provided, single submitter. Criteria: Ambry Variant Classification Scheme 2023. Collection method: clinical testing. Allele origin: germline.
Comment: The p.T853I variant (also known as c.2558C>T), located in coding exon 20 of the CACNA1S gene, results from a C to T substitution at nucleotide position 2558. The threonine at codon 853 is replaced by isoleucine, an amino acid with similar properties. This amino acid position is conserved. In addition, the in silico prediction for this alteration is inconclusive. Based on the available evidence, the clinical significance of this variant remains unclear.

Fulgent Genetics
Classification: Uncertain significance for Hypokalemic periodic paralysis, type 1; Thyrotoxic periodic paralysis, susceptibility to, 1; Malignant hyperthermia, susceptibility to, 5; Congenital myopathy 18. Last evaluated: 2024-04-01. Review status: criteria provided, single submitter. Criteria: ACMG Guidelines, 2015. Collection method: clinical testing. Allele origin: germline.

NM_000069.3(CACNA1S):c.2558C>T (p.Thr853Ile)

Gene: CACNA1S (calcium voltage-gated channel subunit alpha1 S; minus strand). Cytogenetic location: 1q32.1.
Variant type: single nucleotide variant.
Coding change: c.2558C>T on transcript NM_000069.3 (MANE Select); coding-DNA position 2558, C replaced by T.
Protein change: p.Thr853Ile; replaces threonine 853 with isoleucine.
Molecular consequence: missense variant.
Genome position (GRCh38, 1-based): chr1:201,066,986, G>A on the plus strand (C>T on the coding strand, the complement: CACNA1S is on the minus strand). VCF-style: chr1-201066986-G-A. GRCh37 (hg19) VCF-style: chr1-201036114-G-A.
Other names: c.2558C>T (NM_000069.2); short protein forms T853I.
Identifiers: ClinVar variation 3577218 (VCV003577218.2).